The following is an entry in ClinVar:

NM_000350.3(ABCA4):c.4913T>C (p.Ile1638Thr)

Genes: ABCA4 (ATP binding cassette subfamily A member 4; minus strand), LOC126805793 (CDK7 strongly-dependent group 2 enhancer GRCh37_chr1:94486302-94487501; plus strand). Cytogenetic location: 1p22.1.
Variant type: single nucleotide variant.
Coding change: c.4913T>C on transcript NM_000350.3 (MANE Select); coding-DNA position 4913, T replaced by C.
Protein change: p.Ile1638Thr; replaces isoleucine 1638 with threonine.
Molecular consequence: missense variant.
Genome position (GRCh38, 1-based): chr1:94,021,345, A>G on the plus strand (T>C on the coding strand, the complement: ABCA4 is on the minus strand). VCF-style: chr1-94021345-A-G. GRCh37 (hg19) VCF-style: chr1-94486901-A-G.
Other names: c.4691T>C, p.Ile1564Thr (NM_001425324.1); short protein forms I1638T, I1564T.
Identifiers: ClinVar variation 2041932 (VCV002041932.4), dbSNP rs2523693094, ClinGen allele CA341283102.

ClinVar aggregate classification (germline): Uncertain significance (1 of 4 stars; one submission).

Submission:

Labcorp Genetics (formerly Invitae), Labcorp
Classification: Uncertain significance. Last evaluated: 2025-01-15. Review status: criteria provided, single submitter. Criteria: Invitae Variant Classification Sherloc (09022015). Collection method: clinical testing. Allele origin: germline.
Comment: This sequence change replaces isoleucine, which is neutral and non-polar, with threonine, which is neutral and polar, at codon 1638 of the ABCA4 protein (p.Ile1638Thr). This variant is not present in population databases (gnomAD no frequency). This variant has not been reported in the literature in individuals affected with ABCA4-related conditions. ClinVar contains an entry for this variant (Variation ID: 2041932). Invitae Evidence Modeling of protein sequence and biophysical properties (such as structural, functional, and spatial information, amino acid conservation, physicochemical variation, residue mobility, and thermodynamic stability) indicates that this missense variant is expected to disrupt ABCA4 protein function with a positive predictive value of 95%. In summary, the available evidence is currently insufficient to determine the role of this variant in disease. Therefore, it has been classified as a Variant of Uncertain Significance.